The following is an entry in ClinVar:

ClinVar aggregate classification (germline): Uncertain significance. Review status: criteria provided, multiple submitters, no conflicts (2 of 4 stars). 2 submissions from 2 submitters: Uncertain significance (2). Last evaluated 2024-07-31.

gnomAD v4.1: 1 of 1,614,220 alleles (0.000062%); highest among the groups gnomAD compares: Non-Finnish European, 0.000085%; no homozygotes.

Submissions (2):

Labcorp Genetics (formerly Invitae), Labcorp
Classification: Uncertain significance. Last evaluated: 2024-07-31. Review status: criteria provided, single submitter. Criteria: Invitae Variant Classification Sherloc (09022015). Collection method: clinical testing. Allele origin: germline.
Comment: This sequence change replaces glutamine, which is neutral and polar, with histidine, which is basic and polar, at codon 52 of the CFI protein (p.Gln52His). This variant is not present in population databases (gnomAD no frequency). This variant has not been reported in the literature in individuals affected with CFI-related conditions. Advanced modeling of protein sequence and biophysical properties (such as structural, functional, and spatial information, amino acid conservation, physicochemical variation, residue mobility, and thermodynamic stability) performed at Invitae indicates that this missense variant is expected to disrupt CFI protein function with a positive predictive value of 80%. In summary, the available evidence is currently insufficient to determine the role of this variant in disease. Therefore, it has been classified as a Variant of Uncertain Significance.

Mayo Clinic Laboratories, Mayo Clinic
Classification: Uncertain significance. Last evaluated: 2022-05-04. Review status: criteria provided, single submitter. Criteria: ACMG Guidelines, 2015. Collection method: clinical testing. Allele origin: germline. Observed: 1 variant allele.
Comment: PM2_supporting

NM_000204.5(CFI):c.156G>C (p.Gln52His)

Gene: CFI (complement factor I; minus strand). Cytogenetic location: 4q25.
Variant type: single nucleotide variant.
Coding change: c.156G>C on transcript NM_000204.5 (MANE Select); coding-DNA position 156, G replaced by C.
Protein change: p.Gln52His; replaces glutamine 52 with histidine.
Molecular consequence: missense variant. On other transcripts: non-coding transcript variant (3), intron variant (1).
Genome position (GRCh38, 1-based): chr4:109,766,726, C>G on the plus strand (G>C on the coding strand, the complement: CFI is on the minus strand). VCF-style: chr4-109766726-C-G. GRCh37 (hg19) VCF-style: chr4-110687882-C-G.
Other names: p.Gln52His; c.156G>C, p.Gln52His (NM_001318057.2, NM_001331035.2, NM_001375278.1 and 5 more transcripts); c.-127-5034G>C (NM_001375284.1); short protein forms Q52H.
Identifiers: ClinVar variation 2682869 (VCV002682869.3), dbSNP rs1033603086, ClinGen allele CA357865546.